The following is an entry in ClinVar:

ClinVar aggregate classification (germline): Likely pathogenic (1 of 4 stars; one submission).

Submission:

Labcorp Genetics (formerly Invitae), Labcorp
Classification: Likely pathogenic. Last evaluated: 2025-09-15. Review status: criteria provided, single submitter. Criteria: Invitae Variant Classification Sherloc (09022015). Collection method: clinical testing. Allele origin: germline.
Comment: This sequence change affects an acceptor splice site in intron 2 of the PLS3 gene. It is expected to disrupt RNA splicing. Variants that disrupt the donor or acceptor splice site typically lead to a loss of protein function (PMID: 16199547), and loss-of-function variants in PLS3 are known to be pathogenic (PMID: 24088043, 30405713, 33166085). This variant is not present in population databases (gnomAD no frequency). This variant has not been reported in the literature in individuals affected with PLS3-related conditions. Algorithms developed to predict the effect of sequence changes on RNA splicing suggest that this variant may disrupt the consensus splice site. In summary, the currently available evidence indicates that the variant is pathogenic, but additional data are needed to prove that conclusively. Therefore, this variant has been classified as Likely Pathogenic.

Literature cited by the submitters: PubMed 16199547; PubMed 24088043; PubMed 30405713; PubMed 33166085.

NM_005032.7(PLS3):c.74-1G>C

Gene: PLS3 (plastin 3; plus strand). Cytogenetic location: Xq23.
Variant type: single nucleotide variant.
Coding change: c.74-1G>C on transcript NM_005032.7 (MANE Select); the canonical splice acceptor site of the intron before coding-DNA position 74, G replaced by C.
Molecular consequence: splice acceptor variant.
Genome position (GRCh38, 1-based): chrX:115,622,245, G>C. VCF-style: chrX-115622245-G-C. GRCh37 (hg19) VCF-style: chrX-114856557-G-C.
Other names: c.8-1G>C (NM_001282337.2); c.74-1G>C (NM_001440791.1, NM_001440792.1, NM_001136025.5 and 1 more transcripts); c.-62-1G>C (NM_001282338.2).
Identifiers: ClinVar variation 4727242 (VCV004727242.1).
Genomic context (GRCh38, chrX:115,622,245, plus strand): 5'-TACTCTAACTTCTGTCTTTCAATTTTTTTTCCTTTTTTGCTTGCTCTCCTTTTTTACAAA[G>C]ATCTCAACAGCAACGGATTCATTTGTGACTATGAACTTCATGAGCTCTTCAAGGAAGCTA-3'